The following is an entry in ClinVar:

ClinVar aggregate classification (germline): Uncertain significance (1 of 4 stars; one submission).

Allele frequency attached by ClinVar (database versions not stated): gnomAD exomes below 0.00001; gnomAD 0.00001; TOPMed 0.00001.
gnomAD v4.1: 3 of 1,614,036 alleles (0.00019%); highest among the groups gnomAD compares: African/African-American, 0.0027%; no homozygotes.

Submission:

Labcorp Genetics (formerly Invitae), Labcorp
Classification: Uncertain significance. Last evaluated: 2023-10-02. Review status: criteria provided, single submitter. Criteria: Invitae Variant Classification Sherloc (09022015). Collection method: clinical testing. Allele origin: germline.
Comment: This sequence change affects codon 453 of the TWNK mRNA. It is a 'silent' change, meaning that it does not change the encoded amino acid sequence of the TWNK protein. This variant is present in population databases (no rsID available, gnomAD 0.01%). This variant has not been reported in the literature in individuals affected with TWNK-related conditions. Algorithms developed to predict the effect of sequence changes on RNA splicing suggest that this variant may create or strengthen a splice site. In summary, the available evidence is currently insufficient to determine the role of this variant in disease. Therefore, it has been classified as a Variant of Uncertain Significance.

NM_021830.5(TWNK):c.1359G>T (p.Arg453=)

Gene: TWNK (twinkle mtDNA helicase; plus strand). Cytogenetic location: 10q24.31.
Variant type: single nucleotide variant.
Coding change: c.1359G>T on transcript NM_021830.5 (MANE Select); coding-DNA position 1359, G replaced by T.
Protein change: p.Arg453=; no amino-acid change (arginine 453 retained).
Molecular consequence: synonymous variant. On other transcripts: 5 prime UTR variant (3), non-coding transcript variant (5).
Genome position (GRCh38, 1-based): chr10:100,989,759, G>T. VCF-style: chr10-100989759-G-T. GRCh37 (hg19) VCF-style: chr10-102749516-G-T.
Other names: c.1359G>T, p.Arg453= (NM_001163812.2); c.-4G>T (NM_001163813.2, NM_001163814.2, NM_001368275.1).
Identifiers: ClinVar variation 2805210 (VCV002805210.3), dbSNP rs1331165883, ClinGen allele CA471184948.